The following is an entry in ClinVar:

ClinVar aggregate classification (germline): Benign/Likely benign. Review status: criteria provided, multiple submitters, no conflicts (2 of 4 stars). 4 submissions from 4 submitters: Benign (1); Likely benign (3). Last evaluated 2026-06-03.

Conditions:
Postaxial polydactyly-anterior pituitary anomalies-facial dysmorphism syndrome. Also called: Culler-Jones syndrome. Identifiers: Orphanet 420584, MedGen C4014479, MONDO:0014369, OMIM 615849.
Holoprosencephaly 9 (HPE9). Also called: PITUITARY ANOMALIES WITH HOLOPROSENCEPHALY-LIKE FEATURES; HOLOPROSENCEPHALY WITH MICROPHTHALMIA AND FIRST BRANCHIAL ARCH ANOMALIES. Identifiers: Orphanet 2162, MedGen C1835819, MONDO:0012563, OMIM 610829.

Allele frequency attached by ClinVar (database versions not stated): gnomAD 0.00006; TOPMed 0.00014; ExAC 0.00021; ESP Exome Variant Server 0.00023; gnomAD exomes 0.00025.
gnomAD v4.1: 223 of 1,612,508 alleles (0.014%); highest among the groups gnomAD compares: Non-Finnish European, 0.0027%; no homozygotes.

Submissions (4):

Women's Health and Genetics/Laboratory Corporation of America, LabCorp
Classification: Likely benign. Last evaluated: 2026-06-03. Review status: criteria provided, single submitter. Criteria: LabCorp Variant Classification Summary - May 2015. Collection method: clinical testing. Allele origin: germline.
Comment: Variant summary: GLI2 c.4259C>G (p.Ala1420Gly) results in a non-conservative amino acid change in the encoded protein sequence. Algorithms developed to predict the effect of missense changes on protein structure and function are either unavailable or do not agree on the potential impact of this missense change. The variant allele was found at a frequency of 0.00025 in 249150 control chromosomes, predominantly at a frequency of 0.0055 within the Ashkenazi Jewish subpopulation in the gnomAD database. The observed variant frequency within Ashkenazi Jewish control individuals in the gnomAD database exceeds the estimated maximal expected allele frequency for disease-causing variants in GLI2. To our knowledge, no occurrence of c.4259C>G in individuals affected with GLI2-related conditions and no experimental evidence demonstrating its impact on protein function have been reported. ClinVar contains an entry for this variant (Variation ID: 330994). Based on the evidence outlined above, the variant was classified as likely benign.

CeGaT Center for Human Genetics Tuebingen
Classification: Likely benign. Last evaluated: 2025-03-01. Review status: criteria provided, single submitter. Criteria: CeGaT Center For Human Genetics Tuebingen Variant Classification Criteria Version 2. Collection method: clinical testing. Allele origin: germline. Affected: yes. Observed: 1 variant allele.
Comment: GLI2: BP4

Labcorp Genetics (formerly Invitae), Labcorp
Classification: Benign for Postaxial polydactyly-anterior pituitary anomalies-facial dysmorphism syndrome; Holoprosencephaly 9. Last evaluated: 2024-05-15. Review status: criteria provided, single submitter. Criteria: Invitae Variant Classification Sherloc (09022015). Collection method: clinical testing. Allele origin: germline.

Illumina Laboratory Services, Illumina
Classification: Likely benign for Holoprosencephaly 9. Last evaluated: 2018-01-13. Review status: criteria provided, single submitter. Criteria: ICSL Variant Classification Criteria 13 December 2019. Collection method: clinical testing. Allele origin: germline.
Comment: This variant was observed in the ICSL laboratory as part of a predisposition screen in an ostensibly healthy population. It had not been previously curated by ICSL or reported in the Human Gene Mutation Database (HGMD: prior to June 1st, 2018), and was therefore a candidate for classification through an automated scoring system. Utilizing variant allele frequency, disease prevalence and penetrance estimates, and inheritance mode, an automated score was calculated to assess if this variant is too frequent to cause the disease. Based on the score and internal cut-off values, a variant classified as likely benign is not then subjected to further curation. The score for this variant resulted in a classification of likely benign for this disease.

NM_001374353.1(GLI2):c.4208C>G (p.Ala1403Gly)

Gene: GLI2 (GLI family zinc finger 2; plus strand). Cytogenetic location: 2q14.2.
Variant type: single nucleotide variant.
Coding change: c.4208C>G on transcript NM_001374353.1 (MANE Select); coding-DNA position 4208, C replaced by G.
Protein change: p.Ala1403Gly; replaces alanine 1403 with glycine.
Molecular consequence: missense variant.
Genome position (GRCh38, 1-based): chr2:120,990,173, C>G. VCF-style: chr2-120990173-C-G. GRCh37 (hg19) VCF-style: chr2-121747749-C-G.
Other names: c.4259C>G, p.Ala1420Gly (NM_001371271.1, NM_005270.5); c.3833C>G, p.Ala1278Gly (NM_001374354.1); short protein forms A1420G, A1278G, A1403G.
Identifiers: ClinVar variation 330994 (VCV000330994.17), dbSNP rs370136073, ClinGen allele CA1852576.